The following is an entry in ClinVar:

ClinVar aggregate classification (germline): Uncertain significance (1 of 4 stars; one submission).

Conditions:
ATP6V1B2-related disorder. Also called: ATP6V1B2-related condition.

Submission:

PreventionGenetics, part of Exact Sciences
Classification: Uncertain significance for ATP6V1B2-related condition. Last evaluated: 2025-07-07. Review status: criteria provided, single submitter. Criteria: ACMG Guidelines, 2015. Collection method: clinical testing. Allele origin: germline.
Comment: The ATP6V1B2 c.1015G>A variant is predicted to result in the amino acid substitution p.Gly339Arg. To our knowledge, this variant has not been reported in the literature or in a large population database (gnomAD), indicating this variant is rare. At this time, the clinical significance of this variant is uncertain due to the absence of conclusive functional and genetic evidence.

NM_001693.4(ATP6V1B2):c.1015G>A (p.Gly339Arg)

Gene: ATP6V1B2 (ATPase H+ transporting V1 subunit B2; plus strand). Cytogenetic location: 8p21.3.
Variant type: single nucleotide variant.
Coding change: c.1015G>A on transcript NM_001693.4 (MANE Select); coding-DNA position 1015, G replaced by A.
Protein change: p.Gly339Arg; replaces glycine 339 with arginine.
Molecular consequence: missense variant.
Genome position (GRCh38, 1-based): chr8:20,214,905, G>A. VCF-style: chr8-20214905-G-A. GRCh37 (hg19) VCF-style: chr8-20072416-G-A.
Other names: short protein forms G339R.
Identifiers: ClinVar variation 2632434 (VCV002632434.2), dbSNP rs2486468524, ClinGen allele CA370472903.